The following is an entry in ClinVar:

NM_138967.4(SCAMP5):c.89C>A (p.Pro30His)

Gene: SCAMP5 (secretory carrier membrane protein 5; plus strand). Cytogenetic location: 15q24.2.
Variant type: single nucleotide variant.
Coding change: c.89C>A on transcript NM_138967.4 (MANE Select); coding-DNA position 89, C replaced by A.
Protein change: p.Pro30His; replaces proline 30 with histidine.
Molecular consequence: missense variant. On other transcripts: non-coding transcript variant (1).
Genome position (GRCh38, 1-based): chr15:75,012,758, C>A. VCF-style: chr15-75012758-C-A. GRCh37 (hg19) VCF-style: chr15-75305099-C-A.
Other names: c.89C>A, p.Pro30His (NM_001178111.2, NM_001178112.2); short protein forms P30H.
Identifiers: ClinVar variation 1704180 (VCV001704180.3), dbSNP rs1392149063, ClinGen allele CA393434888.

ClinVar aggregate classification (germline): Uncertain significance (1 of 4 stars; one submission).

Allele frequency attached by ClinVar (database versions not stated): gnomAD exomes below 0.00001; gnomAD 0.00001; TOPMed 0.00001.
gnomAD v4.1: 5 of 1,613,898 alleles (0.00031%); highest among the groups gnomAD compares: Non-Finnish European, 0.00042%; no homozygotes.

Submission:

GeneDx
Classification: Uncertain significance. Last evaluated: 2024-05-30. Review status: criteria provided, single submitter. Criteria: GeneDx Variant Classification Process June 2021. Collection method: clinical testing. Allele origin: germline. Affected: yes.
Comment: Not observed at significant frequency in large population cohorts (gnomAD); In silico analysis supports that this missense variant has a deleterious effect on protein structure/function; Has not been previously published as pathogenic or benign to our knowledge